The following is an entry in ClinVar:

NM_001003800.2(BICD2):c.503A>C (p.Lys168Thr)

Gene: BICD2 (BICD cargo adaptor 2; minus strand). Cytogenetic location: 9q22.31.
Variant type: single nucleotide variant.
Coding change: c.503A>C on transcript NM_001003800.2 (MANE Select); coding-DNA position 503, A replaced by C.
Protein change: p.Lys168Thr; replaces lysine 168 with threonine.
Molecular consequence: missense variant.
Genome position (GRCh38, 1-based): chr9:92,722,759, T>G on the plus strand (A>C on the coding strand, the complement: BICD2 is on the minus strand). VCF-style: chr9-92722759-T-G. GRCh37 (hg19) VCF-style: chr9-95485041-T-G.
Other names: c.503A>C, p.Lys168Thr (NM_015250.4); short protein forms K168T.
Identifiers: ClinVar variation 2830195 (VCV002830195.3), dbSNP rs2490459299, ClinGen allele CA374045758.
Genomic context (GRCh38, chr9:92,722,759, plus strand): 5'-TTCTCCTCCTCCAGTTCCGAGTAGTCCTGCAGCAGACGAGCTTCCCGGAATTTGTACTCC[T>G]TGATGTCATCCCGCAGGCGGCCACGCTGGATCTCCACATTCTGGTTGATCTGTTGGGGGA-3'
Protein context (NP_001003800.1, residues 158-178): IQRGRLRDDI[Lys168Thr]EYKFREARLL

ClinVar aggregate classification (germline): Uncertain significance (1 of 4 stars; one submission).

Conditions:
Autosomal dominant childhood-onset proximal spinal muscular atrophy with contractures (SMALED2A). Also called: SPINAL MUSCULAR ATROPHY, LOWER EXTREMITY-PREDOMINANT, 2A, CHILDHOOD ONSET, AUTOSOMAL DOMINANT; Spinal muscular atrophy, lower extremity-predominant, 2A, autosomal dominant. Identifiers: Orphanet 363447, Orphanet 363454, MedGen C4747715, MONDO:0014121, OMIM 615290.

Submission:

Labcorp Genetics (formerly Invitae), Labcorp
Classification: Uncertain significance for Autosomal dominant childhood-onset proximal spinal muscular atrophy with contractures. Last evaluated: 2023-01-19. Review status: criteria provided, single submitter. Criteria: Invitae Variant Classification Sherloc (09022015). Collection method: clinical testing. Allele origin: germline.
Comment: This sequence change replaces lysine, which is basic and polar, with threonine, which is neutral and polar, at codon 168 of the BICD2 protein (p.Lys168Thr). This variant is not present in population databases (gnomAD no frequency). This variant has not been reported in the literature in individuals affected with BICD2-related conditions. Advanced modeling of protein sequence and biophysical properties (such as structural, functional, and spatial information, amino acid conservation, physicochemical variation, residue mobility, and thermodynamic stability) performed at Invitae indicates that this missense variant is not expected to disrupt BICD2 protein function. In summary, the available evidence is currently insufficient to determine the role of this variant in disease. Therefore, it has been classified as a Variant of Uncertain Significance.